The following is an entry in ClinVar:

ClinVar aggregate classification (germline): Benign. Review status: criteria provided, multiple submitters, no conflicts (2 of 4 stars). 2 submissions from 2 submitters: Benign (2). Last evaluated 2018-01-13.

Conditions:
Peroxisome biogenesis disorder 7A (Zellweger). Also called: Peroxisome biogenesis disorder 7A. Identifiers: Orphanet 912, MedGen C3888385, MONDO:0013938, OMIM 614872.

Allele frequency attached by ClinVar (database versions not stated): gnomAD exomes 0.00176; gnomAD 0.01211 and 0.01278; TOPMed 0.01342; 1000 Genomes Project 30x 0.01577; 1000 Genomes Project 0.01597.
gnomAD v4.1: 2,067 of 286,402 alleles (0.72%); highest among the groups gnomAD compares: African/African-American, 4.2%; 43 homozygotes.

Submissions (2):

Illumina Laboratory Services, Illumina
Classification: Benign for Peroxisome biogenesis disorder 7A (Zellweger). Last evaluated: 2018-01-13. Review status: criteria provided, single submitter. Criteria: ICSL Variant Classification Criteria 13 December 2019. Collection method: clinical testing. Allele origin: germline.
Comment: This variant was observed in the ICSL laboratory as part of a predisposition screen in an ostensibly healthy population. It had not been previously curated by ICSL or reported in the Human Gene Mutation Database (HGMD: prior to June 1st, 2018), and was therefore a candidate for classification through an automated scoring system. Utilizing variant allele frequency, disease prevalence and penetrance estimates, and inheritance mode, an automated score was calculated to assess if this variant is too frequent to cause the disease. Based on the score and internal cut-off values, a variant classified as benign is not then subjected to further curation. The score for this variant resulted in a classification of benign for this disease.

Breakthrough Genomics
Classification: Benign. Review status: criteria provided, single submitter. Criteria: ACMG Guidelines, 2015. Collection method: not provided. Allele origin: germline. Inheritance: Autosomal recessive inheritance. Affected: yes.

NM_001127649.3(PEX26):c.*464A>G

Gene: PEX26 (peroxisomal biogenesis factor 26; plus strand). Cytogenetic location: 22q11.21.
Variant type: single nucleotide variant.
Coding change: c.*464A>G on transcript NM_001127649.3 (MANE Select); 464 bases downstream of the stop codon, A replaced by G.
Molecular consequence: 3 prime UTR variant.
Genome position (GRCh38, 1-based): chr22:18,088,539, A>G. VCF-style: chr22-18088539-A-G. GRCh37 (hg19) VCF-style: chr22-18571305-A-G.
Other names: c.*464A>G (NM_001199319.2, NM_017929.6).
Identifiers: ClinVar variation 340764 (VCV000340764.6), dbSNP rs141229564, ClinGen allele CA10653198.